The following is an entry in ClinVar:

NM_001003841.3(SLC6A19):c.1463A>G (p.Tyr488Cys)

Gene: SLC6A19 (solute carrier family 6 member 19; plus strand). Cytogenetic location: 5p15.33.
Variant type: single nucleotide variant.
Coding change: c.1463A>G on transcript NM_001003841.3 (MANE Select); coding-DNA position 1463, A replaced by G.
Protein change: p.Tyr488Cys; replaces tyrosine 488 with cysteine.
Molecular consequence: missense variant.
Genome position (GRCh38, 1-based): chr5:1,219,589, A>G. VCF-style: chr5-1219589-A-G. GRCh37 (hg19) VCF-style: chr5-1219704-A-G.
Other names: short protein forms Y488C.
Identifiers: ClinVar variation 523051 (VCV000523051.6), dbSNP rs1554035332, ClinGen allele CA359075331.

ClinVar aggregate classification (germline): Uncertain significance. Review status: criteria provided, multiple submitters, no conflicts (2 of 4 stars). 2 submissions from 2 submitters: Uncertain significance (2). Last evaluated 2026-03-17.

Conditions:
Neutral 1 amino acid transport defect (HND). Also called: HARTNUP DISORDER; Hartnup disease. Identifiers: Orphanet 2116, MedGen C0018609, MONDO:0009324, OMIM 234500.

Allele frequency attached by ClinVar (database versions not stated): gnomAD exomes 0.00001.
gnomAD v4.1: 3 of 1,611,648 alleles (0.00019%); highest among the groups gnomAD compares: East Asian, 0.0022%; 1 homozygote.

Submissions (2):

Women's Health and Genetics/Laboratory Corporation of America, LabCorp
Classification: Uncertain significance. Last evaluated: 2026-03-17. Review status: criteria provided, single submitter. Criteria: LabCorp Variant Classification Summary - May 2015. Collection method: clinical testing. Allele origin: germline.
Comment: Variant summary: SLC6A19 c.1463A>G (p.Tyr488Cys) results in a non-conservative amino acid change in the encoded protein sequence. Algorithms developed to predict the effect of missense changes on protein structure and function all suggest that this variant is likely to be disruptive. The variant was absent in 249768 control chromosomes. The available data on variant occurrences in the general population are insufficient to allow any conclusion about variant significance. To our knowledge, no occurrence of c.1463A>G in individuals affected with SLC6A19-related conditions and no experimental evidence demonstrating its impact on protein function have been reported. ClinVar contains an entry for this variant (Variation ID: 523051). Based on the evidence outlined above, the variant was classified as uncertain significance.

Genomic Research Center, Shahid Beheshti University of Medical Sciences
Classification: Uncertain significance for Neutral 1 amino acid transport defect. Last evaluated: 2017-12-18. Review status: criteria provided, single submitter. Criteria: ACMG Guidelines, 2015. Collection method: clinical testing. Allele origin: inherited.